The following is an entry in ClinVar:

NM_015570.4(AUTS2):c.700G>A (p.Ala234Thr)

Gene: AUTS2 (activator of transcription and developmental regulator AUTS2; plus strand). Cytogenetic location: 7q11.22.
Variant type: single nucleotide variant.
Coding change: c.700G>A on transcript NM_015570.4 (MANE Select); coding-DNA position 700, G replaced by A.
Protein change: p.Ala234Thr; replaces alanine 234 with threonine.
Molecular consequence: missense variant.
Genome position (GRCh38, 1-based): chr7:70,698,578, G>A. VCF-style: chr7-70698578-G-A. GRCh37 (hg19) VCF-style: chr7-70163564-G-A.
Other names: c.700G>A, p.Ala234Thr (NM_001127231.3); short protein forms A234T.
Identifiers: ClinVar variation 3364433 (VCV003364433.1).
Genomic context (GRCh38, chr7:70,698,578, plus strand): 5'-GACAATATTAATGACAATAATAATGCTTTTTTCCCCCTTCTTGTTTTTCAGGCATCAGAT[G>A]CCAGCTCTGAAAAACTCTTCAACACTGTTATTGTAAACAAAGGTAAGACCCATTCATTCT-3'
Protein context (NP_056385.1, residues 224-244): DSDQEEKASD[Ala234Thr]SSEKLFNTVI

ClinVar aggregate classification (germline): Uncertain significance (1 of 4 stars; one submission).

Submission:

GeneDx
Classification: Uncertain significance. Last evaluated: 2023-11-20. Review status: criteria provided, single submitter. Criteria: GeneDx Variant Classification Process June 2021. Collection method: clinical testing. Allele origin: germline. Affected: yes.
Comment: Not observed at significant frequency in large population cohorts (gnomAD); In silico analysis supports that this missense variant does not alter protein structure/function; Has not been previously published as pathogenic or benign to our knowledge